The following is an entry in ClinVar:

NM_032119.4(ADGRV1):c.7991A>G (p.Glu2664Gly)

Gene: ADGRV1 (adhesion G protein-coupled receptor V1; plus strand). Cytogenetic location: 5q14.3.
Variant type: single nucleotide variant.
Coding change: c.7991A>G on transcript NM_032119.4 (MANE Select); coding-DNA position 7991, A replaced by G.
Protein change: p.Glu2664Gly; replaces glutamic acid 2664 with glycine.
Molecular consequence: missense variant. On other transcripts: non-coding transcript variant (1).
Genome position (GRCh38, 1-based): chr5:90,696,982, A>G. VCF-style: chr5-90696982-A-G. GRCh37 (hg19) VCF-style: chr5-89992799-A-G.
Other names: short protein forms E2664G.
Identifiers: ClinVar variation 1405901 (VCV001405901.8), dbSNP rs2149656458, ClinGen allele CA360384590.
Genomic context (GRCh38, chr5:90,696,982, plus strand): 5'-TTGATGTTTTTATAGGTGAAACCAAAAAGACAGTCATTTTAACCATCTTGGATGACTCTG[A>G]ACCAGAGGATGACGAAAGTATCATAGTTAGTTTGGTGTACACTGAAGGTGGAAGTAGAAT-3'
Protein context (NP_115495.3, residues 2654-2674): TVILTILDDS[Glu2664Gly]PEDDESIIVS

ClinVar aggregate classification (germline): Uncertain significance (1 of 4 stars; one submission).

Submission:

Labcorp Genetics (formerly Invitae), Labcorp
Classification: Uncertain significance. Last evaluated: 2022-01-13. Review status: criteria provided, single submitter. Criteria: Invitae Variant Classification Sherloc (09022015). Collection method: clinical testing. Allele origin: germline.
Comment: In summary, the available evidence is currently insufficient to determine the role of this variant in disease. Therefore, it has been classified as a Variant of Uncertain Significance. Algorithms developed to predict the effect of missense changes on protein structure and function are either unavailable or do not agree on the potential impact of this missense change (SIFT: "Deleterious"; PolyPhen-2: "Benign"; Align-GVGD: "Class C0"). This variant has not been reported in the literature in individuals affected with ADGRV1-related conditions. This variant is not present in population databases (gnomAD no frequency). This sequence change replaces glutamic acid, which is acidic and polar, with glycine, which is neutral and non-polar, at codon 2664 of the ADGRV1 protein (p.Glu2664Gly).